The following is an entry in ClinVar:

ClinVar aggregate classification (germline): Uncertain significance (1 of 4 stars; one submission).

Conditions:
Hereditary cancer-predisposing syndrome. Also called: Hereditary neoplastic syndrome; Tumor predisposition; Hereditary Cancer Syndrome; Neoplastic Syndromes, Hereditary. Identifiers: Orphanet 140162, MedGen C0027672, MeSH D009386, MONDO:0015356.

Submission:

Ambry Genetics
Classification: Uncertain significance for Hereditary cancer-predisposing syndrome. Last evaluated: 2023-06-24. Review status: criteria provided, single submitter. Criteria: Ambry Variant Classification Scheme 2023. Collection method: clinical testing. Allele origin: germline.
Comment: The p.L1634F variant (also known as c.4902G>C), located in coding exon 22 of the DICER1 gene, results from a G to C substitution at nucleotide position 4902. The leucine at codon 1634 is replaced by phenylalanine, an amino acid with highly similar properties. This amino acid position is conserved. In addition, this alteration is predicted to be tolerated by in silico analysis. Since supporting evidence is limited at this time, the clinical significance of this alteration remains unclear.

NM_177438.3(DICER1):c.4902G>C (p.Leu1634Phe)

Gene: DICER1 (dicer 1, ribonuclease III; minus strand). Cytogenetic location: 14q32.13.
Variant type: single nucleotide variant.
Coding change: c.4902G>C on transcript NM_177438.3 (MANE Select); coding-DNA position 4902, G replaced by C.
Protein change: p.Leu1634Phe; replaces leucine 1634 with phenylalanine.
Molecular consequence: missense variant. On other transcripts: non-coding transcript variant (6).
Genome position (GRCh38, 1-based): chr14:95,096,018, C>G on the plus strand (G>C on the coding strand, the complement: DICER1 is on the minus strand). VCF-style: chr14-95096018-C-G. GRCh37 (hg19) VCF-style: chr14-95562355-C-G.
Other names: c.4497G>C, p.Leu1499Phe (NM_001395696.1, NM_001395687.1, NM_001395688.1 and 2 more transcripts); c.3219G>C, p.Leu1073Phe (NM_001395697.1); c.4902G>C, p.Leu1634Phe (NM_030621.4, NM_001195573.1, NM_001271282.3 and 13 more transcripts); c.4620G>C, p.Leu1540Phe (NM_001395686.1); c.4335G>C, p.Leu1445Phe (NM_001395691.1); short protein forms L1540F, L1634F, L1073F, L1445F, L1499F.
Identifiers: ClinVar variation 2586394 (VCV002586394.2), dbSNP rs2139840736, ClinGen allele CA390866379.